The following is an entry in ClinVar:

NM_057175.5(NAA15):c.152T>C (p.Met51Thr)

Gene: NAA15 (N-alpha-acetyltransferase 15, NatA auxiliary subunit; plus strand). Cytogenetic location: 4q31.1.
Variant type: single nucleotide variant.
Coding change: c.152T>C on transcript NM_057175.5 (MANE Select); coding-DNA position 152, T replaced by C.
Protein change: p.Met51Thr; replaces methionine 51 with threonine.
Molecular consequence: missense variant.
Genome position (GRCh38, 1-based): chr4:139,336,860, T>C. VCF-style: chr4-139336860-T-C. GRCh37 (hg19) VCF-style: chr4-140258014-T-C.
Other names: c.152T>C, p.Met51Thr (NM_001410842.1); short protein forms M51T.
Identifiers: ClinVar variation 4992258 (VCV004992258.1).

ClinVar aggregate classification (germline): Uncertain significance (1 of 4 stars; one submission).

Conditions:
NAA15-related disorder.

Submission:

PreventionGenetics, part of Exact Sciences
Classification: Uncertain significance for NAA15-related condition. Last evaluated: 2026-01-11. Review status: criteria provided, single submitter. Criteria: ACMG Guidelines, 2015. Collection method: clinical testing. Allele origin: germline.
Comment: The NAA15 c.152T>C variant is predicted to result in the amino acid substitution p.Met51Thr. To our knowledge, this variant has not been reported in the literature or in a large population database (gnomAD), indicating this variant is rare. At this time, the clinical significance of this variant is uncertain due to the absence of conclusive functional and genetic evidence.